The following is an entry in ClinVar:

ClinVar aggregate classification (germline): Pathogenic/Likely pathogenic. Review status: criteria provided, multiple submitters, no conflicts (2 of 4 stars). 6 submissions from 6 submitters: Pathogenic (2); Likely pathogenic (2). 2 of the submissions do not count toward it. Last evaluated 2025-12-22.

Conditions:
Arginase deficiency. Also called: ARG1 DEFICIENCY; Arginase 1 Deficiency; ARGININEMIA. Identifiers: Orphanet 90, MedGen C0268548, MONDO:0008814, OMIM 207800.

Allele frequency attached by ClinVar (database versions not stated): ExAC 0.00002; gnomAD exomes 0.00004; TOPMed 0.00002.
gnomAD v4.1: 15 of 1,614,002 alleles (0.00093%); highest among the groups gnomAD compares: Admixed American, 0.022%; no homozygotes.

Submissions (6):

Labcorp Genetics (formerly Invitae), Labcorp
Classification: Pathogenic for Arginase deficiency. Last evaluated: 2025-12-22. Review status: criteria provided, single submitter. Criteria: Invitae Variant Classification Sherloc (09022015). Collection method: clinical testing. Allele origin: germline.
Comment: This sequence change replaces alanine, which is neutral and non-polar, with proline, which is neutral and non-polar, at codon 298 of the ARG1 protein (p.Ala298Pro). This variant is present in population databases (rs755359126, gnomAD 0.02%). This missense change has been observed in individual(s) with arginase deficiency (PMID: 624188, 21802329, 27898091; internal data). It has also been observed to segregate with disease in related individuals. ClinVar contains an entry for this variant (Variation ID: 419034). Invitae Evidence Modeling of protein sequence and biophysical properties (such as structural, functional, and spatial information, amino acid conservation, physicochemical variation, residue mobility, and thermodynamic stability) indicates that this missense variant is not expected to disrupt ARG1 protein function with a negative predictive value of 80%. For these reasons, this variant has been classified as Pathogenic.

Women's Health and Genetics/Laboratory Corporation of America, LabCorp
Classification: Likely pathogenic for Arginase deficiency. Last evaluated: 2024-05-03. Review status: criteria provided, single submitter. Criteria: LabCorp Variant Classification Summary - May 2015. Collection method: clinical testing. Allele origin: germline.
Comment: Variant summary: ARG1 c.892G>C (p.Ala298Pro) results in a non-conservative amino acid change in the encoded protein sequence. Four of five in-silico tools predict a damaging effect of the variant on protein function. The variant allele was found at a frequency of 4e-05 in 251194 control chromosomes. This frequency is not significantly higher than estimated for a pathogenic variant in ARG1 causing Arginase Deficiency (4e-05 vs 0.0019). c.892G>C has been reported in the compound heterozygous state in the literature in at least one individual affected with Arginase Deficiency (example, Jain-Bhai_2011, Michels_1978). At least one publication reports experimental evidence evaluating an impact on protein function (example, Michels_1978). The most pronounced variant effect results in <10% of normal activity. The following publications have been ascertained in the context of this evaluation (PMID: 21802329, 624188). ClinVar contains an entry for this variant (Variation ID: 419034). Based on the evidence outlined above, the variant was classified as likely pathogenic.

Baylor Genetics
Classification: Pathogenic for Arginase deficiency. Last evaluated: 2024-03-08. Review status: criteria provided, single submitter. Criteria: ACMG Guidelines, 2015. Collection method: clinical testing. Allele origin: unknown.

Revvity Omics, Revvity
Classification: Likely pathogenic for Arginase deficiency. Last evaluated: 2022-07-18. Review status: criteria provided, single submitter. Criteria: ACMG Guidelines, 2015. Collection method: clinical testing. Allele origin: germline.

Counsyl
Classification: Uncertain significance for Arginase deficiency. Last evaluated: 2017-07-07. Review status: no assertion criteria provided. Collection method: clinical testing. Allele origin: unknown. Not counted in ClinVar's aggregate classification.

GeneDx
Classification: Uncertain significance. Last evaluated: 2018-04-20. Review status: flagged submission. Criteria: GeneDx Variant Classification (06012015). Collection method: clinical testing. Allele origin: germline. Affected: yes. Not counted in ClinVar's aggregate classification.
Comment: The A298P variant has been previously reported in an individual that was heterozygous for the A298P variant and another variant in ARG1 and was reported to have later onset arginase deficiency (Jain-Ghai et al., 2011). The A298P variant is a semi-conservative amino acid substitution, which may impact secondary protein structure as these residues differ in some properties. This substitution occurs at a position that is conserved in mammals and in silico analysis is inconsistent in its predictions as to whether or not the variant is damaging to the protein structure/function. In summary, based on the currently available information, it is unclear whether this variant is a pathogenic variant or a rare benign variant.
ClinVar note: Reason: Outlier claim with insufficient supporting evidence

Literature cited by the submitters: PubMed 624188 (cited by Labcorp Genetics (formerly Invitae), Labcorp and Women's Health and Genetics/Laboratory Corporation of America, LabCorp); PubMed 21802329 (cited by 3 submitters); PubMed 27898091 (cited by Labcorp Genetics (formerly Invitae), Labcorp and Women's Health and Genetics/Laboratory Corporation of America, LabCorp); PubMed 22959135 (cited by Counsyl).

NM_000045.4(ARG1):c.892G>C (p.Ala298Pro)

Genes: ARG1 (arginase 1; plus strand), MED23 (mediator complex subunit 23; minus strand). Cytogenetic location: 6q23.2.
Variant type: single nucleotide variant.
Coding change: c.892G>C on transcript NM_000045.4 (MANE Select); coding-DNA position 892, G replaced by C.
Protein change: p.Ala298Pro; replaces alanine 298 with proline.
Molecular consequence: missense variant. On other transcripts: non-coding transcript variant (1), intron variant (2).
Genome position (GRCh38, 1-based): chr6:131,583,831, G>C. VCF-style: chr6-131583831-G-C. GRCh37 (hg19) VCF-style: chr6-131904971-G-C.
Other names: c.916G>C, p.Ala306Pro (NM_001244438.2); c.637G>C, p.Ala213Pro (NM_001369020.1); c.4077+3878C>G (NM_001270521.2); c.4095+3878C>G (NM_015979.4); short protein forms A298P, A213P, A306P.
Identifiers: ClinVar variation 419034 (VCV000419034.19), dbSNP rs755359126, ClinGen allele CA3999402.